The following is an entry in ClinVar:

NM_000051.4(ATM):c.1749T>C (p.Tyr583=)

Gene: ATM (ATM serine/threonine kinase; plus strand). Cytogenetic location: 11q22.3.
Variant type: single nucleotide variant.
Coding change: c.1749T>C on transcript NM_000051.4 (MANE Select); coding-DNA position 1749, T replaced by C.
Protein change: p.Tyr583=; no amino-acid change (tyrosine 583 retained).
Molecular consequence: synonymous variant.
Genome position (GRCh38, 1-based): chr11:108,251,978, T>C. VCF-style: chr11-108251978-T-C. GRCh37 (hg19) VCF-style: chr11-108122705-T-C.
Other names: c.1749T>C, p.Tyr583= (NM_001351834.2).
Identifiers: ClinVar variation 3254445 (VCV003254445.1), dbSNP rs140321514.

ClinVar aggregate classification (germline): Benign (1 of 4 stars; one submission).

Conditions:
Familial cancer of breast. Also called: BREAST CANCER, FAMILIAL; Hereditary breast cancer; hereditary breast carcinoma. Identifiers: Orphanet 227535, MedGen C0346153, MONDO:0016419, OMIM 114480. Disease mechanism: loss of function.

Allele frequency attached by ClinVar (database versions not stated): TOPMed below 0.00001; gnomAD 0.00001.
gnomAD v4.1: 1 of 1,613,594 alleles (0.000062%); highest among the groups gnomAD compares: African/African-American, 0.0013%; no homozygotes.

Submission:

Myriad Genetics, Inc.
Classification: Benign for Familial cancer of breast. Last evaluated: 2024-05-01. Review status: criteria provided, single submitter. Criteria: Myriad Autosomal Dominant, Autosomal Recessive and X-Linked Classification Criteria (2023). Collection method: clinical testing. Allele origin: unknown.
Comment: This variant is considered benign. This variant is a silent/synonymous amino acid change and it is not expected to impact splicing.